The following is an entry in ClinVar:

NM_003060.4(SLC22A5):c.1199G>A (p.Arg400His)

Gene: SLC22A5 (solute carrier family 22 member 5; plus strand). Cytogenetic location: 5q31.1.
Variant type: single nucleotide variant.
Coding change: c.1199G>A on transcript NM_003060.4 (MANE Select); coding-DNA position 1199, G replaced by A.
Protein change: p.Arg400His; replaces arginine 400 with histidine.
Molecular consequence: missense variant.
Genome position (GRCh38, 1-based): chr5:132,390,836, G>A. VCF-style: chr5-132390836-G-A. GRCh37 (hg19) VCF-style: chr5-131726528-G-A.
Other names: p.Arg400His; c.1271G>A, p.Arg424His (NM_001308122.2); short protein forms R424H, R400H.
Identifiers: ClinVar variation 642526 (VCV000642526.14), dbSNP rs371219688, ClinGen allele CA3404096.

ClinVar aggregate classification (germline): Conflicting classifications of pathogenicity. Review status: criteria provided, conflicting classifications (1 of 4 stars). 6 submissions from 6 submitters: Likely pathogenic (1); Uncertain significance (4). 1 of the submissions does not count toward it. Last evaluated 2024-11-18.

Conditions:
SLC22A5-related disorder. Also called: SLC22A5-related condition.
Renal carnitine transport defect (CDSP). Also called: Systemic primary carnitine deficiency; Primary carnitine deficiency; Carnitine transporter deficiency; Carnitine Deficiency, Systemic; CARNITINE DEFICIENCY, SYSTEMIC, DUE TO DEFECT IN RENAL REABSORPTION OF CARNITINE; CARNITINE TRANSPORTER, PLASMA-MEMBRANE, DEFICIENCY OF. Identifiers: Orphanet 158, MedGen C0342788, MONDO:0008919, OMIM 212140.

Allele frequency attached by ClinVar (database versions not stated): ExAC 0.00002; gnomAD 0.00002 and 0.00003; gnomAD exomes 0.00002 and 0.00004; TOPMed 0.00002; ESP Exome Variant Server 0.00008; 1000 Genomes Project 30x 0.00016; 1000 Genomes Project 0.00020.
gnomAD v4.1: 35 of 1,614,192 alleles (0.0022%); highest among the groups gnomAD compares: Admixed American, 0.0067%; no homozygotes.

Submissions (6):

Blueprint Genetics
Classification: Likely pathogenic for SLC22A5-related disorders. Last evaluated: 2024-11-18. Review status: criteria provided, single submitter. Criteria: ACMG Guidelines, 2015. Collection method: clinical testing. Allele origin: germline. Affected: yes. Observed: 5 variant alleles.

Giacomini Lab, University of California, San Francisco
Classification: Uncertain significance for Renal carnitine transport defect. Last evaluated: 2022-10-03. Review status: criteria provided, single submitter. Criteria: ACMG Guidelines, 2015. Collection method: research, in vitro. Allele origin: germline, not applicable.

Labcorp Genetics (formerly Invitae), Labcorp
Classification: Uncertain significance for Renal carnitine transport defect. Last evaluated: 2022-09-19. Review status: criteria provided, single submitter. Criteria: Invitae Variant Classification Sherloc (09022015). Collection method: clinical testing. Allele origin: germline.
Comment: This sequence change replaces arginine, which is basic and polar, with histidine, which is basic and polar, at codon 400 of the SLC22A5 protein (p.Arg400His). This variant is present in population databases (rs371219688, gnomAD 0.01%). This variant has not been reported in the literature in individuals affected with SLC22A5-related conditions. ClinVar contains an entry for this variant (Variation ID: 642526). Algorithms developed to predict the effect of missense changes on protein structure and function (SIFT, PolyPhen-2, Align-GVGD) all suggest that this variant is likely to be disruptive. In summary, the available evidence is currently insufficient to determine the role of this variant in disease. Therefore, it has been classified as a Variant of Uncertain Significance.

Genome-Nilou Lab
Classification: Uncertain significance for Renal carnitine transport defect. Last evaluated: 2021-07-15. Review status: criteria provided, single submitter. Criteria: ACMG Guidelines, 2015. Collection method: clinical testing. Allele origin: germline. Affected: no.

Illumina Laboratory Services, Illumina
Classification: Uncertain significance for Renal carnitine transport defect. Last evaluated: 2017-04-27. Review status: criteria provided, single submitter. Criteria: ICSL Variant Classification Criteria 13 December 2019. Collection method: clinical testing. Allele origin: germline.

Natera, Inc.
Classification: Uncertain significance for Primary systemic carnitine deficiency. Last evaluated: 2020-09-21. Review status: no assertion criteria provided. Collection method: clinical testing. Allele origin: germline. Not counted in ClinVar's aggregate classification.